The following is an entry in ClinVar:

ClinVar aggregate classification (germline): Uncertain significance. Review status: criteria provided, multiple submitters, no conflicts (2 of 4 stars). 2 submissions from 2 submitters: Uncertain significance (2). Last evaluated 2024-11-05.

Conditions:
Hypertrophic cardiomyopathy 9. Also called: Familial hypertrophic cardiomyopathy 9. Identifiers: MedGen C1861065, MONDO:0013412, OMIM 613765.
Myopathy, myofibrillar, 9, with early respiratory failure (MFM9). Also called: Hereditary myopathy with early respiratory failure; EDSTROM MYOPATHY; MYOPATHY, PROXIMAL, WITH EARLY RESPIRATORY MUSCLE INVOLVEMENT; Myopathy, distal, with early respiratory failure, autosomal dominant. Identifiers: Orphanet 178464, Orphanet 34521, MedGen C1863599, MONDO:0011362, OMIM 603689.
Tibial muscular dystrophy (TMD). Also called: UDD MYOPATHY; Tibial muscular dystrophy, tardive; Udd Distal Myopathy – Tibial Muscular Dystrophy. Identifiers: Orphanet 609, MedGen C1838244, MONDO:0010870, OMIM 600334.
Dilated cardiomyopathy 1G (CMD1G). Identifiers: Orphanet 154, MedGen C1858763, MONDO:0011400, OMIM 604145.
Autosomal recessive limb-girdle muscular dystrophy type 2J (LGMDR10). Also called: Limb-girdle muscular dystrophy, type 2J; MUSCULAR DYSTROPHY, LIMB-GIRDLE, AUTOSOMAL RECESSIVE 10. Identifiers: Orphanet 140922, MedGen C1837342, MONDO:0012127, OMIM 608807.
Early-onset myopathy with fatal cardiomyopathy (CMYO5). Also called: Salih Myopathy; CONGENITAL MYOPATHY 5 WITH CARDIOMYOPATHY. Identifiers: Orphanet 289377, MedGen C2673677, MONDO:0012714, OMIM 611705. Disease mechanism: loss of function.

Allele frequency attached by ClinVar (database versions not stated): ExAC 0.00001; gnomAD exomes 0.00001; TOPMed 0.00001.
gnomAD v4.1: 4 of 1,614,004 alleles (0.00025%); highest among the groups gnomAD compares: Non-Finnish European, 0.00034%; no homozygotes.

Submissions (2):

Labcorp Genetics (formerly Invitae), Labcorp
Classification: Uncertain significance for Dilated cardiomyopathy 1G; Autosomal recessive limb-girdle muscular dystrophy type 2J. Last evaluated: 2024-11-05. Review status: criteria provided, single submitter. Criteria: Invitae Variant Classification Sherloc (09022015). Collection method: clinical testing. Allele origin: germline.
Comment: This sequence change replaces glutamic acid, which is acidic and polar, with lysine, which is basic and polar, at codon 34720 of the TTN protein (p.Glu34720Lys). This variant is present in population databases (rs773467994, gnomAD 0.002%). This variant has not been reported in the literature in individuals affected with TTN-related conditions. ClinVar contains an entry for this variant (Variation ID: 1390977). Experimental studies and prediction algorithms are not available or were not evaluated, and the functional significance of this variant is currently unknown. This variant is located in the M band of TTN (PMID: 25589632). Non-truncating variants in this region may be relevant for neuromuscular disorders, but have not been definitively shown to cause cardiomyopathy (PMID: 23975875). In summary, the available evidence is currently insufficient to determine the role of this variant in disease. Therefore, it has been classified as a Variant of Uncertain Significance.

Fulgent Genetics
Classification: Uncertain significance for Tibial muscular dystrophy; Myopathy, myofibrillar, 9, with early respiratory failure; Dilated cardiomyopathy 1G; Autosomal recessive limb-girdle muscular dystrophy type 2J; Early-onset myopathy with fatal cardiomyopathy; Hypertrophic cardiomyopathy 9. Last evaluated: 2021-08-18. Review status: criteria provided, single submitter. Criteria: ACMG Guidelines, 2015. Collection method: clinical testing. Allele origin: unknown.

Literature cited by the submitters: PubMed 25589632 (cited by Labcorp Genetics (formerly Invitae), Labcorp); PubMed 23975875 (cited by Labcorp Genetics (formerly Invitae), Labcorp).

NM_001267550.2(TTN):c.104158G>A (p.Glu34720Lys)

Genes: TTN-AS1 (TTN antisense RNA 1; plus strand), TTN (titin; minus strand). Cytogenetic location: 2q31.2.
Variant type: single nucleotide variant.
Coding change: c.104158G>A on transcript NM_001267550.2 (MANE Select); coding-DNA position 104158, G replaced by A.
Protein change: p.Glu34720Lys; replaces glutamic acid 34720 with lysine.
Molecular consequence: missense variant.
Genome position (GRCh38, 1-based): chr2:178,532,457, C>T on the plus strand (G>A on the coding strand, the complement: TTN is on the minus strand). VCF-style: chr2-178532457-C-T. GRCh37 (hg19) VCF-style: chr2-179397184-C-T.
Other names: c.99235G>A, p.Glu33079Lys (NM_001256850.1); c.76963G>A, p.Glu25655Lys (NM_003319.4); c.96454G>A, p.Glu32152Lys (NM_133378.4); c.77338G>A, p.Glu25780Lys (NM_133432.3); c.77539G>A, p.Glu25847Lys (NM_133437.4); short protein forms E25780K, E25847K, E33079K, E25655K, E32152K, E34720K.
Identifiers: ClinVar variation 1390977 (VCV001390977.8), dbSNP rs773467994, ClinGen allele CA1985473.